The following is an entry in ClinVar:

ClinVar aggregate classification (germline): Pathogenic/Likely pathogenic. Review status: criteria provided, multiple submitters, no conflicts (2 of 4 stars). 4 submissions from 4 submitters: Pathogenic (1); Likely pathogenic (2). 1 of the submissions does not count toward it. Last evaluated 2024-10-08.

Conditions:
Xeroderma pigmentosum, group C (XPC). Also called: Xeroderma pigmentosum, complementation group C; XERODERMA PIGMENTOSUM III; XP, GROUP C; XPC-Related Xeroderma Pigmentosum. Identifiers: Orphanet 910, MedGen C2752147, MONDO:0010211, OMIM 278720.

Submissions (4):

Revvity Omics, Revvity
Classification: Likely pathogenic for Xeroderma pigmentosum, group C. Last evaluated: 2024-10-08. Review status: criteria provided, single submitter. Criteria: ACMG Guidelines, 2015. Collection method: clinical testing. Allele origin: germline.

Labcorp Genetics (formerly Invitae), Labcorp
Classification: Likely pathogenic. Last evaluated: 2023-11-24. Review status: criteria provided, single submitter. Criteria: Invitae Variant Classification Sherloc (09022015). Collection method: clinical testing. Allele origin: germline.
Comment: This sequence change falls in intron 3 of the XPC gene. It does not directly change the encoded amino acid sequence of the XPC protein. This variant is not present in population databases (gnomAD no frequency). This variant has been observed in individual(s) with clinical features of xeroderma pigmentosum (PMID: 14662655). It has also been observed to segregate with disease in related individuals. ClinVar contains an entry for this variant (Variation ID: 261). Studies have shown that this variant alters XPC gene expression (PMID: 14662655, 19953607). Studies have shown that this variant is associated with inconclusive levels of altered splicing (PMID: 14662655, 19953607). In summary, the currently available evidence indicates that the variant is pathogenic, but additional data are needed to prove that conclusively. Therefore, this variant has been classified as Likely Pathogenic.

CeGaT Center for Human Genetics Tuebingen
Classification: Pathogenic. Last evaluated: 2022-08-01. Review status: criteria provided, single submitter. Criteria: CeGaT Center For Human Genetics Tuebingen Variant Classification Criteria Version 2. Collection method: clinical testing. Allele origin: germline. Affected: yes. Observed: 1 variant allele.
Comment: XPC: PP1:Strong, PM2, PP4:Moderate, PS3:Moderate

OMIM
Classification: Pathogenic for XERODERMA PIGMENTOSUM, COMPLEMENTATION GROUP C. Last evaluated: 2004-02-01. Review status: no assertion criteria provided. Collection method: literature only. Allele origin: germline. Not counted in ClinVar's aggregate classification.

Literature cited by the submitters: PubMed 14662655 (cited by Labcorp Genetics (formerly Invitae), Labcorp and OMIM); PubMed 19953607 (cited by Labcorp Genetics (formerly Invitae), Labcorp).

NM_004628.5(XPC):c.413-24A>G

Gene: XPC (XPC complex subunit, DNA damage recognition and repair factor; minus strand). Cytogenetic location: 3p25.1.
Variant type: single nucleotide variant.
Coding change: c.413-24A>G on transcript NM_004628.5 (MANE Select); 24 bases into the intron before coding-DNA position 413, A replaced by G.
Molecular consequence: intron variant.
Genome position (GRCh38, 1-based): chr3:14,168,404, T>C on the plus strand (A>G on the coding strand, the complement: XPC is on the minus strand). VCF-style: chr3-14168404-T-C. GRCh37 (hg19) VCF-style: chr3-14209904-T-C.
Other names: IVS3AS, A-G, -24; c.395-24A>G (NM_001354729.2); c.-43-1151A>G (NM_001354726.2); c.413-24A>G (NM_001354730.2, NM_001354727.2).
Identifiers: ClinVar variation 261 (VCV000000261.36), dbSNP rs794729657, ClinGen allele CA251398.
Genomic context (GRCh38, chr3:14,168,404, plus strand): 5'-CTTTCTCTCACGTCACCCAGCACAGGCTCACTAAGTTCTATCAACAAGCATTTTTAAAAA[T>C]CAGTAATAGTAATAACAATAATAATAGCTACTGTACTGAACAGAATCAAGGTTCTGCTGG-3'